The following is an entry in ClinVar:

ClinVar aggregate classification (germline): Uncertain significance (1 of 4 stars; one submission).

Conditions:
Inborn genetic diseases. Identifiers: MedGen C0950123, MeSH D030342.

Allele frequency attached by ClinVar (database versions not stated): gnomAD exomes below 0.00001; ExAC 0.00001.
gnomAD v4.1: 2 of 1,612,640 alleles (0.00012%); highest among the groups gnomAD compares: Non-Finnish European, 0.00017%; no homozygotes.

Submission:

Ambry Genetics
Classification: Uncertain significance for Inborn genetic diseases. Last evaluated: 2023-12-11. Review status: criteria provided, single submitter. Criteria: Ambry Variant Classification Scheme 2023. Collection method: clinical testing. Allele origin: germline.
Comment: The p.D880V variant (also known as c.2639A>T), located in coding exon 20 of the LRRK2 gene, results from an A to T substitution at nucleotide position 2639. The aspartic acid at codon 880 is replaced by valine, an amino acid with highly dissimilar properties. This amino acid position is conserved. In addition, the in silico prediction for this alteration is inconclusive. Since supporting evidence is limited at this time, the clinical significance of this alteration remains unclear.

NM_198578.4(LRRK2):c.2639A>T (p.Asp880Val)

Gene: LRRK2 (leucine rich repeat kinase 2; plus strand). Cytogenetic location: 12q12.
Variant type: single nucleotide variant.
Coding change: c.2639A>T on transcript NM_198578.4 (MANE Select); coding-DNA position 2639, A replaced by T.
Protein change: p.Asp880Val; replaces aspartic acid 880 with valine.
Molecular consequence: missense variant.
Genome position (GRCh38, 1-based): chr12:40,287,489, A>T. VCF-style: chr12-40287489-A-T. GRCh37 (hg19) VCF-style: chr12-40681291-A-T.
Other names: short protein forms D880V.
Identifiers: ClinVar variation 1794152 (VCV001794152.2), dbSNP rs764922510, ClinGen allele CA6513690.